The following is an entry in ClinVar:

NM_001453.3(FOXC1):c.1142_1144delinsGCGC (p.Ala381fs)

Gene: FOXC1 (forkhead box C1; plus strand). Cytogenetic location: 6p25.3.
Variant type: Indel.
Coding change: c.1142_1144delinsGCGC on transcript NM_001453.3 (MANE Select); coding-DNA positions 1142 to 1144, CGG replaced by GCGC.
Protein change: p.Ala381fs; shifts the reading frame from alanine 381.
Molecular consequence: frameshift variant.
Genome position (GRCh38, 1-based): chr6:1,611,587-1,611,589, CGG replaced by GCGC. VCF-style: chr6-1611587-CGG-GCGC. GRCh37 (hg19) VCF-style: chr6-1611822-CGG-GCGC.
Other names: short protein forms A381fs.
Identifiers: ClinVar variation 537387 (VCV000537387.5), dbSNP rs1554101058, ClinGen allele CA658796701.

ClinVar aggregate classification (germline): Likely pathogenic (1 of 4 stars; one submission).

Conditions:
Axenfeld-Rieger syndrome type 3 (RIEG3). Also called: AXENFELD-RIEGER ANOMALY WITH CARDIAC DEFECTS AND/OR SENSORINEURAL HEARING LOSS. Identifiers: Orphanet 782, MedGen C2678503, MONDO:0011233, OMIM 602482.

Submission:

Labcorp Genetics (formerly Invitae), Labcorp
Classification: Likely pathogenic for Axenfeld-Rieger syndrome type 3. Last evaluated: 2017-09-30. Review status: criteria provided, single submitter. Criteria: Invitae Variant Classification Sherloc (09022015). Collection method: clinical testing. Allele origin: germline.
Comment: Three different truncations (p.Tyr497*, p.Phe504Serfs*15, p.His505Thrfs*14) that lie downstream of this variant have been reported in individuals with FOXC1-related disease (PMID: 20881294, 16936096, 11170889). This suggests that disruption of this region of the FOXC1 protein is causative of disease. In summary, the currently available evidence indicates that the variant is pathogenic, but additional data are needed to prove that conclusively. Therefore, this variant has been classified as Likely Pathogenic. This variant has not been reported in the literature in individuals with FOXC1-related disease. While this variant is not present in population databases, the frequency information is unreliable, as metrics indicate poor data quality at this position in the ExAC database. This sequence change results in a premature translational stop signal in the FOXC1 gene (p.Ala381Glyfs*147). While this is not anticipated to result in nonsense mediated decay, it is expected to disrupt the last 173 amino acids (~31%) of the FOXC1 protein.

Literature cited by the submitters: PubMed 20881294; PubMed 16936096; PubMed 11170889.